The following is an entry in ClinVar:

ClinVar aggregate classification (germline): Uncertain significance (1 of 4 stars; one submission).

Allele frequency attached by ClinVar (database versions not stated): gnomAD exomes below 0.00001 and 0.00001; TOPMed below 0.00001; ExAC 0.00001; gnomAD 0.00001.
gnomAD v4.1: 14 of 1,612,908 alleles (0.00087%); highest among the groups gnomAD compares: Non-Finnish European, 0.0011%; no homozygotes.

Submission:

Labcorp Genetics (formerly Invitae), Labcorp
Classification: Uncertain significance. Last evaluated: 2025-12-31. Review status: criteria provided, single submitter. Criteria: Invitae Variant Classification Sherloc (09022015). Collection method: clinical testing. Allele origin: germline.
Comment: This sequence change replaces histidine, which is basic and polar, with arginine, which is basic and polar, at codon 856 of the ATR protein (p.His856Arg). This variant is present in population databases (rs750445328, gnomAD 0.003%). This variant has not been reported in the literature in individuals affected with ATR-related conditions. ClinVar contains an entry for this variant (Variation ID: 1041543). An algorithm developed to predict the effect of missense changes on protein structure and function outputs the following: PolyPhen-2: "Benign". The arginine amino acid residue is found in multiple mammalian species, which suggests that this missense change does not adversely affect protein function. In summary, the available evidence is currently insufficient to determine the role of this variant in disease. Therefore, it has been classified as a Variant of Uncertain Significance.

NM_001184.4(ATR):c.2567A>G (p.His856Arg)

Gene: ATR (ATR checkpoint kinase; minus strand). Cytogenetic location: 3q23.
Variant type: single nucleotide variant.
Coding change: c.2567A>G on transcript NM_001184.4 (MANE Select); coding-DNA position 2567, A replaced by G.
Protein change: p.His856Arg; replaces histidine 856 with arginine.
Molecular consequence: missense variant.
Genome position (GRCh38, 1-based): chr3:142,553,706, T>C on the plus strand (A>G on the coding strand, the complement: ATR is on the minus strand). VCF-style: chr3-142553706-T-C. GRCh37 (hg19) VCF-style: chr3-142272548-T-C.
Other names: c.2375A>G, p.His792Arg (NM_001354579.2); short protein forms H792R, H856R.
Identifiers: ClinVar variation 1041543 (VCV001041543.7), dbSNP rs750445328, ClinGen allele CA2650327.